The following is an entry in ClinVar:

NM_001256545.2(MEGF10):c.470G>A (p.Gly157Glu)

Gene: MEGF10 (multiple EGF like domains 10; plus strand). Cytogenetic location: 5q23.2.
Variant type: single nucleotide variant.
Coding change: c.470G>A on transcript NM_001256545.2 (MANE Select); coding-DNA position 470, G replaced by A.
Protein change: p.Gly157Glu; replaces glycine 157 with glutamic acid.
Molecular consequence: missense variant.
Genome position (GRCh38, 1-based): chr5:127,396,589, G>A. VCF-style: chr5-127396589-G-A. GRCh37 (hg19) VCF-style: chr5-126732281-G-A.
Other names: c.470G>A, p.Gly157Glu (NM_001308119.2, NM_001308121.2, NM_032446.3); short protein forms G157E.
Identifiers: ClinVar variation 2415610 (VCV002415610.9), dbSNP rs754104706, ClinGen allele CA3391303.

ClinVar aggregate classification (germline): Uncertain significance (1 of 4 stars; one submission).

Conditions:
MEGF10-related myopathy (CMYO10A). Also called: Congenital myopathy 10A, severe variant. Identifiers: Orphanet 439212, MedGen C3280679, MONDO:0013731, OMIM 614399.

Allele frequency attached by ClinVar (database versions not stated): gnomAD exomes 0.00001; ExAC 0.00002.

Submission:

Labcorp Genetics (formerly Invitae), Labcorp
Classification: Uncertain significance for MEGF10-related myopathy. Last evaluated: 2022-08-06. Review status: criteria provided, single submitter. Criteria: Invitae Variant Classification Sherloc (09022015). Collection method: clinical testing. Allele origin: germline.
Comment: This sequence change replaces glycine, which is neutral and non-polar, with glutamic acid, which is acidic and polar, at codon 157 of the MEGF10 protein (p.Gly157Glu). This variant is present in population databases (rs754104706, gnomAD 0.02%). This variant has not been reported in the literature in individuals affected with MEGF10-related conditions. Algorithms developed to predict the effect of missense changes on protein structure and function output the following: SIFT: "Tolerated"; PolyPhen-2: "Benign"; Align-GVGD: "Class C0". The glutamic acid amino acid residue is found in multiple mammalian species, which suggests that this missense change does not adversely affect protein function. In summary, the available evidence is currently insufficient to determine the role of this variant in disease. Therefore, it has been classified as a Variant of Uncertain Significance.